The following is an entry in ClinVar:

NM_001130987.2(DYSF):c.888G>A (p.Glu296=)

Gene: DYSF (dysferlin; plus strand). Cytogenetic location: 2p13.2.
Variant type: single nucleotide variant.
Coding change: c.888G>A on transcript NM_001130987.2 (MANE Select); coding-DNA position 888, G replaced by A.
Protein change: p.Glu296=; no amino-acid change (glutamic acid 296 retained).
Molecular consequence: synonymous variant.
Genome position (GRCh38, 1-based): chr2:71,515,751, G>A. VCF-style: chr2-71515751-G-A. GRCh37 (hg19) VCF-style: chr2-71742881-G-A.
Other names: c.795G>A, p.Glu265= (NM_001130455.2, NM_001130983.2, NM_001130984.2 and 1 more transcripts); c.792G>A, p.Glu264= (NM_001130976.2, NM_001130977.2, NM_001130978.2 and 1 more transcripts); c.885G>A, p.Glu295= (NM_001130979.2, NM_001130980.2, NM_001130981.2); c.888G>A, p.Glu296= (NM_001130982.2, NM_001130985.2).
Identifiers: ClinVar variation 2982184 (VCV002982184.3), dbSNP rs398123805, ClinGen allele CA426699500.
Genomic context (GRCh38, chr2:71,515,751, plus strand): 5'-CGCTGCAGGGCAGACCAAGCGGACGCGGATCCACAAGGGAAACAGCCCACTCTTCAATGA[G>A]GTGGGAGACATGGGGCATGAGGGCCAGAACCTTGGTGGGCCTTCCAATCTGGAAGCCCAG-3'
Protein context (NP_001124459.1, residues 286-306): IHKGNSPLFN[Glu296=]TLFFNLFDSP

ClinVar aggregate classification (germline): Uncertain significance (1 of 4 stars; one submission).

Conditions:
Neuromuscular disease caused by qualitative or quantitative defects of dysferlin. Also called: Qualitative or quantitative defects of dysferlin; Dysferlinopathy. Identifiers: Orphanet 207073, MedGen C2931687, MONDO:0016145.

Submission:

Labcorp Genetics (formerly Invitae), Labcorp
Classification: Uncertain significance for Neuromuscular disease caused by qualitative or quantitative defects of dysferlin. Last evaluated: 2023-10-23. Review status: criteria provided, single submitter. Criteria: Invitae Variant Classification Sherloc (09022015). Collection method: clinical testing. Allele origin: germline.
Comment: This sequence change affects codon 264 of the DYSF mRNA. It is a 'silent' change, meaning that it does not change the encoded amino acid sequence of the DYSF protein. This variant also falls at the last nucleotide of exon 7, which is part of the consensus splice site for this exon. This variant is not present in population databases (gnomAD no frequency). This variant has been observed in individual(s) with DYSF-related conditions (PMID: 32400077). Variants that disrupt the consensus splice site are a relatively common cause of aberrant splicing (PMID: 17576681, 9536098). Studies have shown that this variant is associated with altered splicing resulting in multiple RNA products (PMID: 32400077). In summary, the available evidence is currently insufficient to determine the role of this variant in disease. Therefore, it has been classified as a Variant of Uncertain Significance.

Literature cited by the submitters: PubMed 32400077; PubMed 17576681; PubMed 9536098.